The following is an entry in ClinVar:

NM_014975.3(MAST1):c.1113_1115del (p.Glu371_Asn372delinsAsp)

Gene: MAST1 (microtubule associated serine/threonine kinase 1; plus strand). Cytogenetic location: 19p13.13.
Variant type: Deletion.
Coding change: c.1113_1115del on transcript NM_014975.3 (MANE Select); coding-DNA positions 1113 to 1115, 3 bases deleted (GAA; older notation c.1113_1115delGAA).
Protein change: p.Glu371_Asn372delinsAsp.
Molecular consequence: inframe indel.
Genome position (GRCh38, 1-based): chr19:12,858,397-12,858,399, GAA deleted; deleting any 3 consecutive bases within chr19:12,858,396-12,858,399 gives the same sequence; the c. name uses the placement nearest the transcript's 3' end. VCF-style (leftmost placement, unchanged base first): chr19-12858395-GAGA-G. GRCh37 (hg19) VCF-style: chr19-12969209-GAGA-G.
Identifiers: ClinVar variation 4886334 (VCV004886334.2).

ClinVar aggregate classification (germline): Uncertain significance (1 of 4 stars; one submission).

Submission:

Dasa
Classification: Uncertain significance. Last evaluated: 2024-07-08. Review status: criteria provided, single submitter. Criteria: DASA Assertion Criteria. Collection method: clinical testing. Allele origin: germline.
Comment: NM_014975.3(MAST1):c.1113_1115del (p.Glu371_Asn372delinsAsp) is an in-frame insertion/deletion-insertion predicted to alter the protein sequence without shifting the reading frame. This variant is rare in population databases. The currently available literature and clinical evidence are not sufficient to establish a definitive association between this variant and the reported condition. Therefore, this variant is classified as a variant of uncertain significance.